The following is an entry in ClinVar:

NM_016592.5(GNAS):c.205C>G (p.His69Asp)

Genes: GNAS (GNAS complex locus; plus strand), GNAS-AS1 (GNAS antisense RNA 1; minus strand). Cytogenetic location: 20q13.32.
Variant type: single nucleotide variant.
Coding change: c.205C>G on transcript NM_016592.5 (MANE Plus Clinical); coding-DNA position 205, C replaced by G.
Protein change: p.His69Asp; replaces histidine 69 with aspartic acid.
Molecular consequence: missense variant. On other transcripts: 5 prime UTR variant (1).
Genome position (GRCh38, 1-based): chr20:58,840,311, C>G. VCF-style: chr20-58840311-C-G. GRCh37 (hg19) VCF-style: chr20-57415366-C-G.
Other names: c.-533C>G (NM_001410912.1); short protein forms H69D.
Identifiers: ClinVar variation 4991982 (VCV004991982.1).

ClinVar aggregate classification (germline): Uncertain significance (1 of 4 stars; one submission).

Conditions:
GNAS-related disorder. Identifiers: MedGen CN380105.

gnomAD v4.1: 2 of 1,612,754 alleles (0.00012%); highest among the groups gnomAD compares: South Asian, 0.0011%; no homozygotes.

Submission:

PreventionGenetics, part of Exact Sciences
Classification: Uncertain significance for GNAS-related condition. Last evaluated: 2025-10-21. Review status: criteria provided, single submitter. Criteria: ACMG Guidelines, 2015. Collection method: clinical testing. Allele origin: germline.
Comment: The GNAS c.205C>G variant is predicted to result in the amino acid substitution p.His69Asp. This variant corresponds to a pre-coding position in the primary transcript for this gene (NM_000516:c.-51416C>G). To our knowledge, this variant has not been reported in the literature. This variant is reported in 0.0065% of alleles in individuals of European (Non-Finnish) descent in gnomAD. At this time, the clinical significance of this variant is uncertain due to the absence of conclusive functional and genetic evidence.